The following is an entry in ClinVar:

NM_018979.4(WNK1):c.5364+201G>A

Gene: WNK1 (WNK lysine deficient protein kinase 1; plus strand). Cytogenetic location: 12p13.33.
Variant type: single nucleotide variant.
Coding change: c.5364+201G>A on transcript NM_018979.4 (MANE Select); 201 bases into the intron after coding-DNA position 5364, G replaced by A.
Molecular consequence: intron variant.
Genome position (GRCh38, 1-based): chr12:887,505, G>A. VCF-style: chr12-887505-G-A. GRCh37 (hg19) VCF-style: chr12-996671-G-A.
Other names: c.6120+201G>A (NM_213655.5); c.6144+201G>A (NM_001184985.2); c.4623+201G>A (NM_014823.3).
Identifiers: ClinVar variation 670867 (VCV000670867.1), dbSNP rs11064584, ClinGen allele CA15731949.
Genomic context (GRCh38, chr12:887,505, plus strand): 5'-TGACCCAGTTCCTACTTAAGTAAGAAGCTTCATAGCTCTTTTGTTTGTAATGTTGCTTCC[G>A]GTTATCCAAAAACACTTGATACTAATTTTTTTTTTATATCTTATGAAGGAAGAAAACAGC-3'

ClinVar aggregate classification (germline): Benign (1 of 4 stars; one submission).

Allele frequency attached by ClinVar (database versions not stated): 1000 Genomes Project 0.23542; 1000 Genomes Project 30x 0.23829; gnomAD 0.24218 and 0.24291; TOPMed 0.24578.
gnomAD v4.1: 36,740 of 151,956 alleles (24%); highest among the groups gnomAD compares: Middle Eastern, 29%; 4,507 homozygotes.

Submission:

GeneDx
Classification: Benign. Last evaluated: 2018-06-20. Review status: criteria provided, single submitter. Criteria: GeneDx Variant Classification (06012015). Collection method: clinical testing. Allele origin: germline. Affected: yes.
Comment: This variant is considered likely benign or benign based on one or more of the following criteria: it is a conservative change, it occurs at a poorly conserved position in the protein, it is predicted to be benign by multiple in silico algorithms, and/or has population frequency not consistent with disease.